The following is an entry in ClinVar:

NM_001367498.1(CNTNAP5):c.-4G>A

Gene: CNTNAP5 (contactin associated protein family member 5; plus strand). Cytogenetic location: 2q14.3.
Variant type: single nucleotide variant.
Coding change: c.-4G>A on transcript NM_001367498.1 (MANE Select); 4 bases upstream of the start codon, G replaced by A.
Molecular consequence: 5 prime UTR variant.
Genome position (GRCh38, 1-based): chr2:124,025,647, G>A. VCF-style: chr2-124025647-G-A. GRCh37 (hg19) VCF-style: chr2-124783224-G-A.
Other names: c.-4G>A (NM_130773.4).
Identifiers: ClinVar variation 3352986 (VCV003352986.1).

ClinVar aggregate classification (germline): Likely benign (0 of 4 stars; one submission).

Conditions:
CNTNAP5-related disorder. Also called: CNTNAP5-related condition.

gnomAD v4.1: 17 of 1,613,684 alleles (0.0011%); highest among the groups gnomAD compares: Middle Eastern, 0.049%; no homozygotes.

Submission:

PreventionGenetics, part of Exact Sciences
Classification: Likely benign for CNTNAP5-related condition. Last evaluated: 2019-02-20. Review status: no assertion criteria provided. Collection method: clinical testing. Allele origin: germline.
Comment: This variant is classified as likely benign based on ACMG/AMP sequence variant interpretation guidelines (Richards et al. 2015 PMID: 25741868, with internal and published modifications).